The following is an entry in ClinVar:

ClinVar aggregate classification (germline): Likely benign. Review status: criteria provided, multiple submitters, no conflicts (2 of 4 stars). 3 submissions from 3 submitters: Likely benign (3). Last evaluated 2024-11-20.

Conditions:
Breast-ovarian cancer, familial, susceptibility to, 1 (BROVCA1). Also called: OVARIAN CANCER, SUSCEPTIBILITY TO; BRCA1 Hereditary Breast and Ovarian Cancer. Identifiers: Orphanet 145, MedGen C2676676, MONDO:0011450, OMIM 604370. Disease mechanism: loss of function.
Hereditary breast ovarian cancer syndrome. Also called: Hereditary breast and ovarian cancer syndrome (HBOC); Breast and ovarian cancer; Hereditary breast and ovarian cancer syndrome; Hereditary breast and/or ovarian cancer syndrome; Hereditary breast and ovarian cancer; BRCA1- and BRCA2-Associated Hereditary Breast and Ovarian Cancer. Identifiers: Orphanet 145, MedGen C0677776, MeSH D061325, MONDO:0003582. Disease mechanism: loss of function.
Hereditary cancer-predisposing syndrome. Also called: Hereditary neoplastic syndrome; Neoplastic Syndromes, Hereditary; Tumor predisposition; Hereditary Cancer Syndrome. Identifiers: Orphanet 140162, MedGen C0027672, MeSH D009386, MONDO:0015356.

gnomAD v4.1: 1 of 1,613,510 alleles (0.000062%); highest among the groups gnomAD compares: Non-Finnish European, 0.000085%; no homozygotes.

Submissions (3):

Labcorp Genetics (formerly Invitae), Labcorp
Classification: Likely benign for Hereditary breast ovarian cancer syndrome. Last evaluated: 2024-11-20. Review status: criteria provided, single submitter. Criteria: Invitae Variant Classification Sherloc (09022015). Collection method: clinical testing. Allele origin: germline.

All of Us Research Program, National Institutes of Health
Classification: Likely benign for Breast-ovarian cancer, familial, susceptibility to, 1. Last evaluated: 2024-01-08. Review status: criteria provided, single submitter. Criteria: ACMG Guidelines, 2015. Collection method: clinical testing. Allele origin: germline. Inheritance: Autosomal dominant inheritance. Observed: 1 variant allele, 1 heterozygote.
Comment: This study involves interpretation of variants in research participants for the purpose of population health screening. Participant phenotype was not available at the time of variant classification. Additional details can be found in publication PMID: 35346344, PMCID: PMC8962531

Ambry Genetics
Classification: Likely benign for Hereditary cancer-predisposing syndrome. Last evaluated: 2023-04-07. Review status: criteria provided, single submitter. Criteria: Ambry Variant Classification Scheme 2023. Collection method: clinical testing. Allele origin: germline.

NM_007294.4(BRCA1):c.465A>G (p.Gln155=)

Gene: BRCA1 (BRCA1 DNA repair associated; minus strand). Cytogenetic location: 17q21.31.
Variant type: single nucleotide variant.
Coding change: c.465A>G on transcript NM_007294.4 (MANE Select); coding-DNA position 465, A replaced by G.
Protein change: p.Gln155=; no amino-acid change (glutamine 155 retained).
Molecular consequence: synonymous variant. On other transcripts: intron variant (2).
Genome position (GRCh38, 1-based): chr17:43,099,857, T>C on the plus strand (A>G on the coding strand, the complement: BRCA1 is on the minus strand). VCF-style: chr17-43099857-T-C. GRCh37 (hg19) VCF-style: chr17-41251874-T-C.
Other names: c.252A>G, p.Gln84= (NM_001407571.1, NM_001407853.1, NM_001407894.1 and 18 more transcripts); c.465A>G, p.Gln155= (NM_001407581.1, NM_001407582.1, NM_001407583.1 and 97 more transcripts); c.462A>G, p.Gln154= (NM_001407587.1, NM_001407590.1, NM_001407591.1 and 65 more transcripts); c.456A>G, p.Gln152= (NM_001407646.1, NM_001407647.1, NM_001408408.1); c.387A>G, p.Gln129= (NM_001407653.1, NM_001407654.1, NM_001407655.1 and 12 more transcripts); c.384A>G, p.Gln128= (NM_001407659.1, NM_001407660.1, NM_001407661.1 and 6 more transcripts); c.324A>G, p.Gln108= (NM_001407692.1, NM_001407694.1, NM_001407695.1 and 61 more transcripts); c.321A>G, p.Gln107= (NM_001407740.1, NM_001407741.1, NM_001407742.1 and 35 more transcripts); and 5 more.
Identifiers: ClinVar variation 1106075 (VCV001106075.13), dbSNP rs864622260, ClinGen allele CA500124642.
Genomic context (GRCh38, chr17:43,099,857, plus strand): 5'-CTTTTGAGGTTGTATCCGCTGCTTTGTCCTCAGAGTTCTCACAGTTCCAAGGTTAGAGAG[T>C]TGGACACTGAGACTGGTTTCCTGCTAAACAGTATGGTAAAGAACAGTCAAGCAATTGTTG-3'
Protein context (NP_009225.1, residues 145-165): PSLQETSLSV[Gln155=]LSNLGTVRTL